The following is an entry in ClinVar:

ClinVar aggregate classification (germline): Uncertain significance (1 of 4 stars; one submission).

Allele frequency attached by ClinVar (database versions not stated): gnomAD 0.00001; gnomAD exomes 0.00002; ExAC 0.00003; TOPMed 0.00005.
gnomAD v4.1: 37 of 1,613,942 alleles (0.0023%); highest among the groups gnomAD compares: Admixed American, 0.027%; no homozygotes.

Submission:

Labcorp Genetics (formerly Invitae), Labcorp
Classification: Uncertain significance. Last evaluated: 2025-10-16. Review status: criteria provided, single submitter. Criteria: Invitae Variant Classification Sherloc (09022015). Collection method: clinical testing. Allele origin: germline.
Comment: This sequence change replaces arginine, which is basic and polar, with histidine, which is basic and polar, at codon 471 of the IGF1R protein (p.Arg471His). This variant is present in population databases (rs763660010, gnomAD 0.03%). This variant has not been reported in the literature in individuals affected with IGF1R-related conditions. ClinVar contains an entry for this variant (Variation ID: 1956433). Invitae Evidence Modeling of protein sequence and biophysical properties (such as structural, functional, and spatial information, amino acid conservation, physicochemical variation, residue mobility, and thermodynamic stability) indicates that this missense variant is not expected to disrupt IGF1R protein function with a negative predictive value of 80%. In summary, the available evidence is currently insufficient to determine the role of this variant in disease. Therefore, it has been classified as a Variant of Uncertain Significance.

NM_000875.5(IGF1R):c.1412G>A (p.Arg471His)

Gene: IGF1R (insulin like growth factor 1 receptor; plus strand). Cytogenetic location: 15q26.3.
Variant type: single nucleotide variant.
Coding change: c.1412G>A on transcript NM_000875.5 (MANE Select); coding-DNA position 1412, G replaced by A.
Protein change: p.Arg471His; replaces arginine 471 with histidine.
Molecular consequence: missense variant.
Genome position (GRCh38, 1-based): chr15:98,908,849, G>A. VCF-style: chr15-98908849-G-A. GRCh37 (hg19) VCF-style: chr15-99452078-G-A.
Other names: c.1412G>A, p.Arg471His (NM_001291858.2); short protein forms R471H.
Identifiers: ClinVar variation 1956433 (VCV001956433.5), dbSNP rs763660010, ClinGen allele CA7752082.